The following is an entry in ClinVar:

ClinVar aggregate classification (germline): Likely benign. Review status: criteria provided, multiple submitters, no conflicts (2 of 4 stars). 3 submissions from 3 submitters: Likely benign (2). 1 of the submissions does not count toward it. Last evaluated 2023-08-16.

Conditions:
LARS2-related disorder. Also called: LARS2-related condition.

Allele frequency attached by ClinVar (database versions not stated): gnomAD exomes below 0.00001 and 0.00001.
gnomAD v4.1: 15 of 1,614,208 alleles (0.00093%); highest among the groups gnomAD compares: Middle Eastern, 0.13%; 1 homozygote.

Submissions (3):

Labcorp Genetics (formerly Invitae), Labcorp
Classification: Likely benign. Last evaluated: 2023-08-16. Review status: criteria provided, single submitter. Criteria: Invitae Variant Classification Sherloc (09022015). Collection method: clinical testing. Allele origin: germline.

GeneDx
Classification: Likely benign. Last evaluated: 2018-06-21. Review status: criteria provided, single submitter. Criteria: GeneDx Variant Classification Process June 2021. Collection method: clinical testing. Allele origin: germline. Affected: yes.

PreventionGenetics, part of Exact Sciences
Classification: Likely benign for LARS2-related condition. Last evaluated: 2024-08-08. Review status: no assertion criteria provided. Collection method: clinical testing. Allele origin: germline. Not counted in ClinVar's aggregate classification.
Comment: This variant is classified as likely benign based on ACMG/AMP sequence variant interpretation guidelines (Richards et al. 2015 PMID: 25741868, with internal and published modifications).

NM_015340.4(LARS2):c.1296G>A (p.Gly432=)

Genes: LARS2 (leucyl-tRNA synthetase 2, mitochondrial; plus strand), LARS2-AS1 (LARS2 antisense RNA 1; minus strand). Cytogenetic location: 3p21.31.
Variant type: single nucleotide variant.
Coding change: c.1296G>A on transcript NM_015340.4 (MANE Select); coding-DNA position 1296, G replaced by A.
Protein change: p.Gly432=; no amino-acid change (glycine 432 retained).
Molecular consequence: synonymous variant.
Genome position (GRCh38, 1-based): chr3:45,491,573, G>A. VCF-style: chr3-45491573-G-A. GRCh37 (hg19) VCF-style: chr3-45533065-G-A.
Other names: c.1296G>A, p.Gly432= (NM_001368263.1).
Identifiers: ClinVar variation 1191298 (VCV001191298.6), dbSNP rs866626104, ClinGen allele CA73592178.